The following is an entry in ClinVar:

ClinVar aggregate classification (germline): Uncertain significance (1 of 4 stars; one submission).

Submission:

GeneDx
Classification: Uncertain significance. Last evaluated: 2024-02-14. Review status: criteria provided, single submitter. Criteria: GeneDx Variant Classification Process June 2021. Collection method: clinical testing. Allele origin: germline. Affected: yes.
Comment: Not observed at significant frequency in large population cohorts (gnomAD); In silico analysis supports that this missense variant has a deleterious effect on protein structure/function; Has not been previously published as pathogenic or benign to our knowledge

NM_000291.4(PGK1):c.275A>T (p.Asp92Val)

Gene: PGK1 (phosphoglycerate kinase 1; plus strand). Cytogenetic location: Xq21.1.
Variant type: single nucleotide variant.
Coding change: c.275A>T on transcript NM_000291.4 (MANE Select); coding-DNA position 275, A replaced by T.
Protein change: p.Asp92Val; replaces aspartic acid 92 with valine.
Molecular consequence: missense variant.
Genome position (GRCh38, 1-based): chrX:78,114,018, A>T. VCF-style: chrX-78114018-A-T. GRCh37 (hg19) VCF-style: chrX-77369515-A-T.
Other names: short protein forms D92V.
Identifiers: ClinVar variation 3360255 (VCV003360255.1).
Genomic context (GRCh38, chrX:78,114,018, plus strand): 5'-TGTTACTGGTTTTTAACTTTCATACTGCTCAAGTGTCTTCATCTCTTCCTCTTCTCAGGG[A>T]TGTTCTGTTCTTGAAGGACTGTGTAGGCCCAGAAGTGGAGAAAGCCTGTGCCAACCCAGC-3'
Protein context (NP_000282.1, residues 82-102): AVELKSLLGK[Asp92Val]VLFLKDCVGP